The following is an entry in ClinVar:

NM_052876.4(NACC1):c.917T>C (p.Met306Thr)

Gene: NACC1 (nucleus accumbens associated 1; plus strand). Cytogenetic location: 19p13.13.
Variant type: single nucleotide variant.
Coding change: c.917T>C on transcript NM_052876.4 (MANE Select); coding-DNA position 917, T replaced by C.
Protein change: p.Met306Thr; replaces methionine 306 with threonine.
Molecular consequence: missense variant.
Genome position (GRCh38, 1-based): chr19:13,136,124, T>C. VCF-style: chr19-13136124-T-C. GRCh37 (hg19) VCF-style: chr19-13246938-T-C.
Other names: short protein forms M306T.
Identifiers: ClinVar variation 3898630 (VCV003898630.7).

ClinVar aggregate classification (germline): Uncertain significance (1 of 4 stars; one submission).

gnomAD v4.1: 1 of 1,613,514 alleles (0.000062%); no homozygotes.

Submission:

CeGaT Center for Human Genetics Tuebingen
Classification: Uncertain significance. Last evaluated: 2025-04-01. Review status: criteria provided, single submitter. Criteria: CeGaT Center For Human Genetics Tuebingen Variant Classification Criteria Version 2. Collection method: clinical testing. Allele origin: germline. Affected: yes. Observed: 1 variant allele.
Comment: NACC1: PM2